The following is an entry in ClinVar:

ClinVar aggregate classification (germline): Pathogenic/Likely pathogenic. Review status: criteria provided, multiple submitters, no conflicts (2 of 4 stars). 2 submissions from 2 submitters: Pathogenic (1); Likely pathogenic (1). Last evaluated 2023-05-01.

Conditions:
Familial adenomatous polyposis 1 (FAP1). Also called: FAMILIAL ADENOMATOUS POLYPOSIS 1, ATTENUATED; POLYPOSIS, ADENOMATOUS INTESTINAL. Identifiers: MedGen C2713442, MONDO:0021056, OMIM 175100. Disease mechanism: loss of function.

Submissions (2):

Myriad Genetics, Inc.
Classification: Pathogenic for Familial adenomatous polyposis 1. Last evaluated: 2023-05-01. Review status: criteria provided, single submitter. Criteria: Myriad Autosomal Dominant, Autosomal Recessive and X-Linked Classification Criteria (2023). Collection method: clinical testing. Allele origin: unknown.
Comment: This variant is considered pathogenic. This variant creates a frameshift predicted to result in premature protein truncation.

GeneDx
Classification: Likely pathogenic. Last evaluated: 2016-08-22. Review status: criteria provided, single submitter. Criteria: GeneDx Variant Classification (06012015). Collection method: clinical testing. Allele origin: germline. Affected: yes.
Comment: This apparently mosaic deletion of two nucleotides in APC is denoted c.1522_1523delTT at the cDNAlevel and p.Leu508AspfsX28 (L508DfsX28) at the protein level. The normal sequence, with the bases that are deletedin braces, is AAAC{TT}GACT. The deletion causes a frameshift which changes a Leucine to an Aspartic Acid at codon508, and creates a premature stop codon at position 28 of the new reading frame. This variant is predicted to causeloss of normal protein function through either protein truncation or nonsense-mediated mRNA decay. APCc.1522_1523delTT has been observed in at least one individual with Familial adenomatous polyposis (FAP) (Lagarde2010). Based on the currently available information, we consider this deletion to be a likely pathogenic variant.

NM_000038.6(APC):c.1522_1523del (p.Leu508fs)

Gene: APC (APC regulator of Wnt signaling pathway; plus strand). Cytogenetic location: 5q22.2.
Variant type: Deletion.
Coding change: c.1522_1523del on transcript NM_000038.6 (MANE Select); coding-DNA positions 1522 to 1523, 2 bases deleted (TT; older notation c.1522_1523delTT).
Protein change: p.Leu508fs; shifts the reading frame from leucine 508.
Molecular consequence: frameshift variant.
Genome position (GRCh38, 1-based): chr5:112,827,221-112,827,222, TT deleted. VCF-style (leftmost placement, unchanged base first): chr5-112827220-CTT-C. GRCh37 (hg19) VCF-style: chr5-112162917-CTT-C.
Other names: c.1522_1523del, p.Leu508fs (NM_001127510.3, NM_001354895.2); c.1468_1469del, p.Leu490fs (NM_001127511.3); c.1576_1577del, p.Leu526fs (NM_001354896.2); c.1552_1553del, p.Leu518fs (NM_001354897.2); c.1447_1448del, p.Leu483fs (NM_001354898.2); c.1438_1439del, p.Leu480fs (NM_001354899.2); c.1399_1400del, p.Leu467fs (NM_001354900.2); c.1345_1346del, p.Leu449fs (NM_001354901.2); and 5 more; short protein forms L382fs, L508fs, L518fs, L348fs, L417fs, L449fs, L483fs, L490fs.
Identifiers: ClinVar variation 265374 (VCV000265374.3), dbSNP rs886039509, ClinGen allele CA10588380.